The following is an entry in ClinVar:

NM_021625.5(TRPV4):c.479G>A (p.Arg160Gln)

Gene: TRPV4 (transient receptor potential cation channel subfamily V member 4; minus strand). Cytogenetic location: 12q24.11.
Variant type: single nucleotide variant.
Coding change: c.479G>A on transcript NM_021625.5 (MANE Select); coding-DNA position 479, G replaced by A.
Protein change: p.Arg160Gln; replaces arginine 160 with glutamine.
Molecular consequence: missense variant.
Genome position (GRCh38, 1-based): chr12:109,808,376, C>T on the plus strand (G>A on the coding strand, the complement: TRPV4 is on the minus strand). VCF-style: chr12-109808376-C-T. GRCh37 (hg19) VCF-style: chr12-110246181-C-T.
Other names: c.479G>A, p.Arg160Gln (NM_001177433.2, NM_147204.3, NM_001177428.2); c.377G>A, p.Arg126Gln (NM_001177431.2); short protein forms R160Q, R126Q.
Identifiers: ClinVar variation 245674 (VCV000245674.10), dbSNP rs139300843, ClinGen allele CA6780532.

ClinVar aggregate classification (germline): Conflicting classifications of pathogenicity. Review status: criteria provided, conflicting classifications (1 of 4 stars). 3 submissions from 3 submitters: Uncertain significance (2); Likely benign (1). Last evaluated 2025-07-16.

Conditions:
Charcot-Marie-Tooth disease axonal type 2C (HMSN2C). Also called: Charcot-Marie-Tooth Disease Type 2, TRPV4-Related (CMT2C); CHARCOT-MARIE-TOOTH DISEASE, AXONAL, AUTOSOMAL DOMINANT, TYPE 2C; Charcot-Marie-Tooth Neuropathy Type 2C. Identifiers: Orphanet 99937, MedGen C1853710, MONDO:0011633, OMIM 606071.

Allele frequency attached by ClinVar (database versions not stated): gnomAD exomes 0.00001 and 0.00002; ExAC 0.00002; gnomAD 0.00002; TOPMed 0.00002; ESP Exome Variant Server 0.00008.
gnomAD v4.1: 14 of 1,614,026 alleles (0.00087%); highest among the groups gnomAD compares: African/African-American, 0.008%; no homozygotes.

Submissions (3):

Labcorp Genetics (formerly Invitae), Labcorp
Classification: Uncertain significance for Charcot-Marie-Tooth disease axonal type 2C. Last evaluated: 2025-07-16. Review status: criteria provided, single submitter. Criteria: Invitae Variant Classification Sherloc (09022015). Collection method: clinical testing. Allele origin: germline.
Comment: This sequence change replaces arginine, which is basic and polar, with glutamine, which is neutral and polar, at codon 160 of the TRPV4 protein (p.Arg160Gln). This variant is present in population databases (rs139300843, gnomAD 0.01%). This variant has not been reported in the literature in individuals affected with TRPV4-related conditions. ClinVar contains an entry for this variant (Variation ID: 245674). Invitae Evidence Modeling of protein sequence and biophysical properties (such as structural, functional, and spatial information, amino acid conservation, physicochemical variation, residue mobility, and thermodynamic stability) has been performed for this missense variant. However, the output from this modeling did not meet the statistical confidence thresholds required to predict the impact of this variant on TRPV4 protein function. Algorithms developed to predict the effect of sequence changes on RNA splicing suggest that this variant may create or strengthen a splice site. In summary, the available evidence is currently insufficient to determine the role of this variant in disease. Therefore, it has been classified as a Variant of Uncertain Significance.

Athena Diagnostics
Classification: Uncertain significance. Last evaluated: 2024-02-23. Review status: criteria provided, single submitter. Criteria: Athena Diagnostics Criteria. Collection method: clinical testing. Allele origin: unknown.
Comment: Available data are insufficient to determine the clinical significance of the variant at this time. The frequency of this variant in the general population is higher than would generally be expected for pathogenic variants in this gene. Computational tools disagree on the variant's effect on normal protein function.

GeneDx
Classification: Likely benign. Last evaluated: 2021-05-07. Review status: criteria provided, single submitter. Criteria: GeneDx Variant Classification Process June 2021. Collection method: clinical testing. Allele origin: germline. Affected: yes.